The following is an entry in ClinVar:

ClinVar aggregate classification (germline): Uncertain significance (1 of 4 stars; one submission).

Conditions:
MAGEL2-related disorder. Also called: MAGEL2-related condition.

Submission:

PreventionGenetics, part of Exact Sciences
Classification: Uncertain significance for MAGEL2-related condition. Last evaluated: 2026-08-06. Review status: criteria provided, single submitter. Criteria: ACMG Guidelines, 2015. Collection method: clinical testing. Allele origin: germline.
Comment: The MAGEL2 c.1730C>A variant is predicted to result in the amino acid substitution p.Pro577Gln. To our knowledge, this variant has not been reported in the literature or or in a large population database (gnomAD), indicating this variant is rare. At this time, the clinical significance of this variant is uncertain due to the absence of conclusive functional and genetic evidence.

NM_019066.5(MAGEL2):c.1730C>A (p.Pro577Gln)

Gene: MAGEL2 (MAGE family member L2; minus strand). Cytogenetic location: 15q11.2.
Variant type: single nucleotide variant.
Coding change: c.1730C>A on transcript NM_019066.5 (MANE Select); coding-DNA position 1730, C replaced by A.
Protein change: p.Pro577Gln; replaces proline 577 with glutamine.
Molecular consequence: missense variant.
Genome position (GRCh38, 1-based): chr15:23,646,013, G>T on the plus strand (C>A on the coding strand, the complement: MAGEL2 is on the minus strand). VCF-style: chr15-23646013-G-T. GRCh37 (hg19) VCF-style: chr15-23891160-G-T.
Other names: short protein forms P577Q.
Identifiers: ClinVar variation 4999081 (VCV004999081.1).